The following is an entry in ClinVar:

NM_000287.4(PEX6):c.2362G>A (p.Val788Met)

Gene: PEX6 (peroxisomal biogenesis factor 6; minus strand). Cytogenetic location: 6p21.1.
Variant type: single nucleotide variant.
Coding change: c.2362G>A on transcript NM_000287.4 (MANE Select); coding-DNA position 2362, G replaced by A.
Protein change: p.Val788Met; replaces valine 788 with methionine.
Molecular consequence: missense variant.
Genome position (GRCh38, 1-based): chr6:42,966,044, C>T on the plus strand (G>A on the coding strand, the complement: PEX6 is on the minus strand). VCF-style: chr6-42966044-C-T. GRCh37 (hg19) VCF-style: chr6-42933782-C-T.
Other names: c.2098G>A, p.Val700Met (NM_001316313.2); short protein forms V788M, V700M.
Identifiers: ClinVar variation 556244 (VCV000556244.51), dbSNP rs267608240, ClinGen allele CA138222768.
Genomic context (GRCh38, chr6:42,966,044, plus strand): 5'-GCTTGGGGGCCATCGGGGTTTGGGAAGCATGGGACGCCCTGCCCCTCCCTGCTCACTCAC[C>T]TTCCCGCACATTCTCCTCACTTTGGCCCACATACATGTTAATGAGCTCTGGCCCCTTCAC-3'
Protein context (NP_000278.3, residues 778-798): VGQSEENVRE[Val788Met]FARARAAAPC

ClinVar aggregate classification (germline): Conflicting classifications of pathogenicity. Review status: criteria provided, conflicting classifications (1 of 4 stars). 9 submissions from 9 submitters: Pathogenic (5); Likely pathogenic (2); Uncertain significance (1). 1 of the submissions does not count toward it. Last evaluated 2026-01-16.

Conditions:
PEX6-related disorder. Also called: PEX6-related condition; PEX6-related disorders.
Heimler syndrome 2 (HMLR2). Also called: PEROXISOME BIOGENESIS DISORDER 4C. Identifiers: Orphanet 3220, MedGen C4225267, OMIM 616617, MONDO:0014709.
Zellweger spectrum disorders (ZS). Also called: Zellweger Spectrum Disorder (ZSD); Zellweger Spectrum Disorder; Zellweger Spectrum; Zellweger syndrome. Identifiers: Orphanet 912, MedGen C0043459, MONDO:0019609.
Peroxisome biogenesis disorder. Identifiers: Orphanet 79189, MedGen C1832200, MONDO:0019234. Disease mechanism: loss of function.
Peroxisome biogenesis disorder 4A (Zellweger) (PBD4A). Also called: Zellweger syndrome spectrum (PEX6-related). Identifiers: Orphanet 912, MedGen C3553936, MONDO:0013930, OMIM 614862. Disease mechanism: loss of function.
Peroxisome biogenesis disorder 4B (PBD4B). Also called: SPINOCEREBELLAR ATAXIA WITH BLINDNESS AND DEAFNESS 1. Identifiers: Orphanet 44, Orphanet 95433, MedGen C3553937, MONDO:0013931, OMIM 614863.

Allele frequency attached by ClinVar (database versions not stated): gnomAD 0.00001; gnomAD exomes 0.00001 and 0.00002; TOPMed 0.00001.
gnomAD v4.1: 12 of 1,613,844 alleles (0.00074%); highest among the groups gnomAD compares: Non-Finnish European, 0.001%; no homozygotes.

Submissions (9):

Natera, Inc.
Classification: Likely pathogenic for Zellweger syndrome. Last evaluated: 2026-01-16. Review status: criteria provided, single submitter. Criteria: Natera Variant Classification Schema (03/2026). Collection method: clinical testing. Allele origin: germline.
Comment: The c.2362G>A variant in PEX6 is a missense variant predicted to cause substitution of valine to methionine at amino acid 788. This variant is rare in the general population with a frequency below the threshold expected for the associated phenotype(s). This variant has been observed in one or more individuals affected with the associated recessive disease, as either homozygous or compound heterozygous with a second variant (PMID: 19877282, 26700162, 11355018). Functional studies show that this variant may disrupt protein function (PMID: 11355018). Computational prediction algorithms indicate this variant is likely to affect gene or protein function. Given the available evidence, this variant is classified as Likely Pathogenic.

Baylor Genetics
Classification: Pathogenic for Heimler syndrome 2. Last evaluated: 2024-03-12. Review status: criteria provided, single submitter. Criteria: ACMG Guidelines, 2015. Collection method: clinical testing. Allele origin: unknown.

Victorian Clinical Genetics Services, Murdoch Childrens Research Institute
Classification: Pathogenic for Peroxisome biogenesis disorder 4A (Zellweger). Last evaluated: 2023-07-17. Review status: criteria provided, single submitter. Criteria: ACMG Guidelines, 2015. Collection method: clinical testing. Allele origin: germline. Inheritance: Autosomal recessive inheritance. Affected: yes.
Comment: Based on the classification scheme VCGS_Germline_v1.3.4, this variant is classified as Pathogenic. Following criteria are met: 0102 - Loss of function is a known mechanism of disease in this gene and is associated with peroxisome biogenesis disorder 4B (MIM#614863), Heimler syndrome 2 (MIM#616617) and peroxisome biogenesis disorder 4A (Zellweger) (MIM#614862). (I) 0108 - This gene is associated with both recessive and dominant disease. A recurrent variant p.(Arg860Trp) is associated with autosomal dominant peroxisome biogenesis disorder 4B (PMID: 29220678). In addition, Heimler syndrome 2 is milder due to one allele encoding for a protein with residual function (OMIM). (I) 0200 - Variant is predicted to result in a missense amino acid change from valine to methionine. It was noted that ClinVar entries cited Matsumoto 2001 (PMID: 11355018), describing a splicing defect caused by this variant. However, upon asssessing this manuscript, this assay may have amplified a naturally occurring transcript (NR_133009.2, UCSC), and therefore, the information from this publication was treated with caution during variant classification. (I) 0251 - This variant is heterozygous. (I) 0304 - Variant is present in gnomAD <0.01 for a recessive condition (v2: 5 heterozygotes, 0 homozygotes). (SP) 0502 - Missense variant with conflicting in silico predictions and very high conservation. In addition, this variant affects the last base pair of an exon. Abnormal splicing is predicted by in silico tools and the affected nucleotide is highly conserved. (SP) 0600 - Variant is located in the annotated AAA ATPase domain (DECIPHER). (I) 0705 - No comparable missense variants have previous evidence for pathogenicity. (I) 0801 - This variant has strong previous evidence of pathogenicity in unrelated individuals. It has been described as compound heterozygous with p.(Arg601Trp) in an individual with Zellweger syndrome spectrum (ZSS) (PMID: 26700162). Two other heterozygotes with ZSS were reported; however, their second allele was unspecified (PMID: 19142205, 19877282). It has also been classified mutliple times as pathogenic/likely pathogenic and once as a VUS by diagnostic laboratories in ClinVar. (SP) 1007 - No published functional evidence has been identified for this variant. (I) 1201 - Heterozygous variant detected in trans with a pathogenic heterozygous variant (NM_000287.3(PEX6):c.1801C>T; p.(Arg601Trp)) in a recessive disease. (I) Legend: (SP) - Supporting pathogenic, (I) - Information, (SB) - Supporting benign

GeneDx
Classification: Pathogenic. Last evaluated: 2021-10-12. Review status: criteria provided, single submitter. Criteria: GeneDx Variant Classification Process June 2021. Collection method: clinical testing. Allele origin: germline. Affected: yes.
Comment: Published functional studies demonstrate an impact on splicing by causing skipping of exon 11 and 12 and an insertion of 21 nucleotides, therefore demonstrating a damaging effect (Matsumoto et al., 2001); Not observed at significant frequency in large population cohorts (gnomAD); In silico analysis supports that this missense variant has a deleterious effect on protein structure/function; This variant is associated with the following publications: (PMID: 19877282, 15542397, 26700162, 19142205, 11355018)

Labcorp Genetics (formerly Invitae), Labcorp
Classification: Uncertain significance for Peroxisome biogenesis disorder. Last evaluated: 2021-09-02. Review status: criteria provided, single submitter. Criteria: Invitae Variant Classification Sherloc (09022015). Collection method: clinical testing. Allele origin: germline.
Comment: This sequence change replaces valine with methionine at codon 788 of the PEX6 protein (p.Val788Met). The valine residue is highly conserved and there is a small physicochemical difference between valine and methionine. RNA analysis indicates that this missense change induces altered splicing and may result in an absent or disrupted protein product. This variant is not present in population databases (ExAC no frequency). This missense change has been observed in individual(s) with clinical features of neonatal adrenoleukodystrophy or Zellweger syndrome (PMID: 3515938, 19142205, 19877282, 26700162). This variant is also known as PEX6del2095‚Äì2362/21ins. ClinVar contains an entry for this variant (Variation ID: 556244). Algorithms developed to predict the effect of missense changes on protein structure and function are either unavailable or do not agree on the potential impact of this missense change (SIFT: "Deleterious"; PolyPhen-2: "Probably Damaging"; Align-GVGD: "Class C0"). Variants that disrupt the consensus splice site are a relatively common cause of aberrant splicing (PMID: 17576681, 9536098). Studies have shown that this missense change results in skipping of exons 11 and 12 and an insertion of 21 nucleotides, which introduces a frameshift and introduces a premature termination codon (PMID: 11355018). The resulting mRNA is expected to undergo nonsense-mediated decay. In summary, the available evidence is currently insufficient to determine the role of this variant in disease. Therefore, it has been classified as a Variant of Uncertain Significance.

Blueprint Genetics
Classification: Likely pathogenic for PEX6-related disorders. Last evaluated: 2020-09-03. Review status: criteria provided, single submitter. Criteria: ACMG Guidelines, 2015. Collection method: clinical testing. Allele origin: germline. Affected: yes. Observed: 3 variant alleles.

CeGaT Center for Human Genetics Tuebingen
Classification: Pathogenic. Last evaluated: 2020-09-01. Review status: criteria provided, single submitter. Criteria: CeGaT Center For Human Genetics Tuebingen Variant Classification Criteria Version 2. Collection method: clinical testing. Allele origin: germline. Affected: yes. Observed: 1 variant allele.

Women's Health and Genetics/Laboratory Corporation of America, LabCorp
Classification: Pathogenic for Peroxisome biogenesis disorders, Zellweger syndrome spectrum. Last evaluated: 2019-05-31. Review status: criteria provided, single submitter. Criteria: LabCorp Variant Classification Summary - May 2015. Collection method: clinical testing. Allele origin: germline.
Comment: Variant summary: PEX6 c.2362G>A (p.Val788Met) results in a conservative amino acid change located in the ATPase, AAA-type, core domain of the encoded protein sequence. Four of five in-silico tools predict a damaging effect of the variant on protein function. The variant is the last exonic nucleotide at an exon-intron junction, suggesting it may affect splicing. At least one publication, Matsumoto_2001, reports experimental evidence that this variant affects mRNA splicing. The variant allele was found at a frequency of 1.6e-05 in 251656 control chromosomes (gnomAD). The variant, c.2362G>A, has been reported in the literature in multiple individuals affected with Zellweger Syndrome, both as a homozygous and compound heterozygous allele. (Steinberg_2004, Krause_2009, Ebberink_2010, Lusebrink_2016). These data indicate that the variant is very likely to be associated with disease. One publication reports experimental evidence evaluating an impact on protein function, however, does not allow convincing conclusions about the variant effect (Lusebrink_2016). One ClinVar submission from other clinical diagnostic laboratories (evaluation after 2014) cites the variant as likely pathogenic. Based on the evidence outlined above, the variant was classified as pathogenic.

Counsyl
Classification: Likely pathogenic for Peroxisome biogenesis disorder 4A (Zellweger); Peroxisome biogenesis disorder 4B. Last evaluated: 2018-03-30. Review status: no assertion criteria provided. Collection method: clinical testing. Allele origin: unknown. Not counted in ClinVar's aggregate classification.

Literature cited by the submitters: PubMed 19877282 (cited by 5 submitters); PubMed 26700162 (cited by 5 submitters); PubMed 11355018 (cited by 5 submitters); PubMed 19142205 (cited by 4 submitters); PubMed 29220678 (cited by Victorian Clinical Genetics Services, Murdoch Childrens Research Institute); PubMed 3515938 (cited by Labcorp Genetics (formerly Invitae), Labcorp); PubMed 17576681 (cited by Labcorp Genetics (formerly Invitae), Labcorp); PubMed 9536098 (cited by Labcorp Genetics (formerly Invitae), Labcorp); PubMed 15542397 (cited by Women's Health and Genetics/Laboratory Corporation of America, LabCorp).